The following is an entry in ClinVar:

ClinVar aggregate classification (germline): Uncertain significance (1 of 4 stars; one submission).

Conditions:
Hereditary cancer-predisposing syndrome. Also called: Hereditary neoplastic syndrome; Neoplastic Syndromes, Hereditary; Tumor predisposition; Hereditary Cancer Syndrome. Identifiers: Orphanet 140162, MedGen C0027672, MeSH D009386, MONDO:0015356.

Submission:

Ambry Genetics
Classification: Uncertain significance for Hereditary cancer-predisposing syndrome. Last evaluated: 2021-12-10. Review status: criteria provided, single submitter. Criteria: Ambry Variant Classification Scheme 2023. Collection method: clinical testing. Allele origin: germline.
Comment: The p.L2198H variant (also known as c.6593T>A), located in coding exon 45 of the ATM gene, results from a T to A substitution at nucleotide position 6593. The leucine at codon 2198 is replaced by histidine, an amino acid with similar properties. This amino acid position is conserved. In addition, this alteration is predicted to be tolerated by in silico analysis. Since supporting evidence is limited at this time, the clinical significance of this alteration remains unclear.

NM_000051.4(ATM):c.6593T>A (p.Leu2198His)

Genes: ATM (ATM serine/threonine kinase; plus strand), C11orf65 (chromosome 11 open reading frame 65; minus strand). Cytogenetic location: 11q22.3.
Variant type: single nucleotide variant.
Coding change: c.6593T>A on transcript NM_000051.4 (MANE Select); coding-DNA position 6593, T replaced by A.
Protein change: p.Leu2198His; replaces leucine 2198 with histidine.
Molecular consequence: missense variant. On other transcripts: intron variant (2).
Genome position (GRCh38, 1-based): chr11:108,325,330, T>A. VCF-style: chr11-108325330-T-A. GRCh37 (hg19) VCF-style: chr11-108196057-T-A.
Other names: c.6593T>A, p.Leu2198His (NM_001351834.2); c.641-16259A>T (NM_001330368.2); c.*38+9890A>T (NM_001351110.2); short protein forms L2198H.
Identifiers: ClinVar variation 1754373 (VCV001754373.2), dbSNP rs2136307861, ClinGen allele CA382554685.